The following is an entry in ClinVar:

ClinVar aggregate classification (germline): Uncertain significance (1 of 4 stars; one submission).

Allele frequency attached by ClinVar (database versions not stated): gnomAD exomes below 0.00001.
gnomAD v4.1: 5 of 1,607,258 alleles (0.00031%); highest among the groups gnomAD compares: Non-Finnish European, 0.00043%; no homozygotes.

Submission:

Ambry Genetics
Classification: Uncertain significance. Last evaluated: 2024-01-31. Review status: criteria provided, single submitter. Criteria: Ambry Variant Classification Scheme 2023. Collection method: clinical testing. Allele origin: germline.
Comment: The p.N393K variant (also known as c.1179T>A), located in coding exon 8 of the IDH1 gene, results from a T to A substitution at nucleotide position 1179. The asparagine at codon 393 is replaced by lysine, an amino acid with similar properties. This amino acid position is conserved. In addition, the in silico prediction for this alteration is inconclusive. Based on the available evidence, the clinical significance of this alteration remains unclear.

NM_005896.4(IDH1):c.1179T>A (p.Asn393Lys)

Gene: IDH1 (isocitrate dehydrogenase (NADP(+)) 1; minus strand). Cytogenetic location: 2q34.
Variant type: single nucleotide variant.
Coding change: c.1179T>A on transcript NM_005896.4 (MANE Select); coding-DNA position 1179, T replaced by A.
Protein change: p.Asn393Lys; replaces asparagine 393 with lysine.
Molecular consequence: missense variant.
Genome position (GRCh38, 1-based): chr2:208,237,145, A>T on the plus strand (T>A on the coding strand, the complement: IDH1 is on the minus strand). VCF-style: chr2-208237145-A-T. GRCh37 (hg19) VCF-style: chr2-209101869-A-T.
Other names: c.1179T>A, p.Asn393Lys (NM_001282386.1, NM_001282387.1); short protein forms N393K.
Identifiers: ClinVar variation 3225127 (VCV003225127.1), dbSNP rs2469010490, ClinGen allele CA350093625.